The following is an entry in ClinVar:

ClinVar aggregate classification (germline): Uncertain significance. Review status: criteria provided, multiple submitters, no conflicts (2 of 4 stars). 2 submissions from 2 submitters: Uncertain significance (2). Last evaluated 2025-06-02.

Conditions:
CCN6-related disorder. Also called: CCN6-related condition.

Submissions (2):

PreventionGenetics, part of Exact Sciences
Classification: Uncertain significance for CCN6-related condition. Last evaluated: 2025-06-02. Review status: criteria provided, single submitter. Criteria: ACMG Guidelines, 2015. Collection method: clinical testing. Allele origin: germline.
Comment: The CCN6 c.298T>C variant is predicted to result in the amino acid substitution p.Cys100Arg. To our knowledge, this variant has not been reported in the literature or in a large population database (gnomAD), indicating this variant is rare. This variant has been classified as uncertain by one submitter in ClinVar. Of note, a different variant impacting the same amino acid (p.Cys100Ser) has been reported in the homozygous state in multiple individuals from the Patni community in India with progressive pseudorheumatoid dysplasia (Bhavani et al. 2015. PubMed ID: 25988854; Sheth et al. 2021. PubMed ID: 34650595). Although we suspect that the c.298T>C (p.Cys100Arg) variant may be pathogenic, at this time, the clinical significance of this variant is uncertain due to the absence of conclusive functional and genetic evidence.

Labcorp Genetics (formerly Invitae), Labcorp
Classification: Uncertain significance. Last evaluated: 2025-01-31. Review status: criteria provided, single submitter. Criteria: Invitae Variant Classification Sherloc (09022015). Collection method: clinical testing. Allele origin: germline.
Comment: This sequence change replaces cysteine, which is neutral and slightly polar, with arginine, which is basic and polar, at codon 100 of the WISP3 protein (p.Cys100Arg). This variant is not present in population databases (gnomAD no frequency). This variant has not been reported in the literature in individuals affected with WISP3-related conditions. Invitae Evidence Modeling of protein sequence and biophysical properties (such as structural, functional, and spatial information, amino acid conservation, physicochemical variation, residue mobility, and thermodynamic stability) indicates that this missense variant is expected to disrupt WISP3 protein function with a positive predictive value of 95%. In summary, the available evidence is currently insufficient to determine the role of this variant in disease. Therefore, it has been classified as a Variant of Uncertain Significance.

NM_198239.2(CCN6):c.298T>C (p.Cys100Arg)

Gene: CCN6 (cellular communication network factor 6; plus strand). Cytogenetic location: 6q21.
Variant type: single nucleotide variant.
Coding change: c.298T>C on transcript NM_198239.2 (MANE Select); coding-DNA position 298, T replaced by C.
Protein change: p.Cys100Arg; replaces cysteine 100 with arginine.
Molecular consequence: missense variant. On other transcripts: non-coding transcript variant (2).
Genome position (GRCh38, 1-based): chr6:112,061,240, T>C. VCF-style: chr6-112061240-T-C. GRCh37 (hg19) VCF-style: chr6-112382443-T-C.
Other names: c.298T>C, p.Cys100Arg (NM_003880.4); c.298T>C (NM_003880.3); short protein forms C100R.
Identifiers: ClinVar variation 3721185 (VCV003721185.3).